The following is an entry in ClinVar:

NM_201384.3(PLEC):c.8880C>G (p.Ile2960Met)

Gene: PLEC (plectin; minus strand). Cytogenetic location: 8q24.3.
Variant type: single nucleotide variant.
Coding change: c.8880C>G on transcript NM_201384.3 (MANE Select); coding-DNA position 8880, C replaced by G.
Protein change: p.Ile2960Met; replaces isoleucine 2960 with methionine.
Molecular consequence: missense variant.
Genome position (GRCh38, 1-based): chr8:143,920,941, G>C on the plus strand (C>G on the coding strand, the complement: PLEC is on the minus strand). VCF-style: chr8-143920941-G-C. GRCh37 (hg19) VCF-style: chr8-144995109-G-C.
Other names: c.8961C>G, p.Ile2987Met (NM_000445.5); c.5580C>G, p.Ile1860Met (NM_001410941.1); c.8838C>G, p.Ile2946Met (NM_201378.4); c.8814C>G, p.Ile2938Met (NM_201379.3); c.9291C>G, p.Ile3097Met (NM_201380.4); c.8784C>G, p.Ile2928Met (NM_201381.3); c.8880C>G, p.Ile2960Met (NM_201382.4); c.8892C>G, p.Ile2964Met (NM_201383.3); short protein forms I1860M, I2938M, I2987M, I2928M, I2946M, I2964M, I2960M, I3097M.
Identifiers: ClinVar variation 4994037 (VCV004994037.1).

ClinVar aggregate classification (germline): Uncertain significance (1 of 4 stars; one submission).

Conditions:
PLEC-related disorder. Also called: PLEC-related condition; PLEC-related disorders.

Submission:

PreventionGenetics, part of Exact Sciences
Classification: Uncertain significance for PLEC-related condition. Last evaluated: 2026-06-24. Review status: criteria provided, single submitter. Criteria: ACMG Guidelines, 2015. Collection method: clinical testing. Allele origin: germline.
Comment: The PLEC c.8961C>G variant is predicted to result in the amino acid substitution p.Ile2987Met. To our knowledge, this variant has not been reported in the literature or in a large population database (gnomAD), indicating this variant is rare. At this time, the clinical significance of this variant is uncertain due to the absence of conclusive functional and genetic evidence.